The following is an entry in ClinVar:

ClinVar aggregate classification (germline): Pathogenic (1 of 4 stars; one submission).

Conditions:
Familial cancer of breast. Also called: BREAST CANCER, FAMILIAL; hereditary breast carcinoma; Hereditary breast cancer. Identifiers: Orphanet 227535, MedGen C0346153, MONDO:0016419, OMIM 114480. Disease mechanism: loss of function.

Submission:

Myriad Genetics, Inc.
Classification: Pathogenic for Familial cancer of breast. Last evaluated: 2023-06-05. Review status: criteria provided, single submitter. Criteria: Myriad Autosomal Dominant, Autosomal Recessive and X-Linked Classification Criteria (2023). Collection method: clinical testing. Allele origin: unknown.
Comment: This variant is considered pathogenic. This variant creates a frameshift predicted to result in premature protein truncation.

NM_032043.3(BRIP1):c.1703del (p.Asn568fs)

Gene: BRIP1 (BRCA1 interacting DNA helicase 1; minus strand). Cytogenetic location: 17q23.2.
Variant type: Deletion.
Coding change: c.1703del on transcript NM_032043.3 (MANE Select); coding-DNA position 1703, one base deleted (A; older notation c.1703delA).
Protein change: p.Asn568fs; shifts the reading frame from asparagine 568.
Molecular consequence: frameshift variant.
Genome position (GRCh38, 1-based): chr17:61,780,931, T deleted on the plus strand (A on the coding strand, the reverse complement: BRIP1 is on the minus strand); the first of 5 consecutive T bases (chr17:61,780,931-61,780,935); deleting any one gives the same sequence. VCF-style (leftmost placement, unchanged base first): chr17-61780930-AT-A. GRCh37 (hg19) VCF-style: chr17-59858291-AT-A.
Other names: short protein forms N568fs.
Identifiers: ClinVar variation 2584164 (VCV002584164.2), dbSNP rs1057519365, ClinGen allele CA2582342280.
Genomic context (GRCh38, chr17:61,780,930, plus strand): 5'-CACATGAACTGCAGTTTTCTGTCGTGAACGTTTCTTATTTTTTGGTAGAACCAACAACCC[AT>A]TTTTGTCTGAAATATCAATCTGATTTGTCCAGGAGTAAGTCTGTTGAATCGCAATTTTAT-3'